The following is an entry in ClinVar:

ClinVar aggregate classification (germline): Benign/Likely benign. Review status: criteria provided, multiple submitters, no conflicts (2 of 4 stars). 4 submissions from 4 submitters: Benign (2); Likely benign (2). Last evaluated 2026-01-14.

Conditions:
CNGA3-related disorder. Also called: CNGA3-related condition.

Allele frequency attached by ClinVar (database versions not stated): gnomAD 0.00095 and 0.00097; TOPMed 0.00105; 1000 Genomes Project 0.00200; 1000 Genomes Project 30x 0.00203; gnomAD exomes 0.00028 and 0.00031; ExAC 0.00037; ESP Exome Variant Server 0.00077.
gnomAD v4.1: 564 of 1,613,646 alleles (0.035%); highest among the groups gnomAD compares: African/African-American, 0.3%; no homozygotes.

Submissions (4):

Labcorp Genetics (formerly Invitae), Labcorp
Classification: Benign. Last evaluated: 2026-01-14. Review status: criteria provided, single submitter. Criteria: Invitae Variant Classification Sherloc (09022015). Collection method: clinical testing. Allele origin: germline.

PreventionGenetics, part of Exact Sciences
Classification: Likely benign for CNGA3-related condition. Last evaluated: 2024-12-19. Review status: criteria provided, single submitter. Criteria: ACMG Guidelines, 2015. Collection method: clinical testing. Allele origin: germline.
Comment: This variant is classified as likely benign based on ACMG/AMP sequence variant interpretation guidelines (Richards et al. 2015 PMID: 25741868, with internal and published modifications).

Blueprint Genetics
Classification: Likely benign. Last evaluated: 2024-07-17. Review status: criteria provided, single submitter. Criteria: ACMG Guidelines, 2015. Collection method: clinical testing. Allele origin: germline.

Breakthrough Genomics
Classification: Benign. Review status: criteria provided, single submitter. Criteria: ACMG Guidelines, 2015. Collection method: not provided. Allele origin: germline. Inheritance: Autosomal recessive inheritance. Affected: yes.

NM_001298.3(CNGA3):c.81C>T (p.Arg27=)

Gene: CNGA3 (cyclic nucleotide gated channel subunit alpha 3; plus strand). Cytogenetic location: 2q11.2.
Variant type: single nucleotide variant.
Coding change: c.81C>T on transcript NM_001298.3 (MANE Select); coding-DNA position 81, C replaced by T.
Protein change: p.Arg27=; no amino-acid change (arginine 27 retained).
Molecular consequence: synonymous variant.
Genome position (GRCh38, 1-based): chr2:98,370,056, C>T. VCF-style: chr2-98370056-C-T. GRCh37 (hg19) VCF-style: chr2-98986519-C-T.
Other names: c.81C>T, p.Arg27= (NM_001079878.2).
Identifiers: ClinVar variation 711330 (VCV000711330.14), dbSNP rs148593890, ClinGen allele CA1793551.